The following is an entry in ClinVar:

NM_000090.4(COL3A1):c.3035G>A (p.Arg1012Lys)

Gene: COL3A1 (collagen type III alpha 1 chain; plus strand). Cytogenetic location: 2q32.2.
Variant type: single nucleotide variant.
Coding change: c.3035G>A on transcript NM_000090.4 (MANE Select); coding-DNA position 3035, G replaced by A.
Protein change: p.Arg1012Lys; replaces arginine 1012 with lysine.
Molecular consequence: missense variant.
Genome position (GRCh38, 1-based): chr2:189,005,453, G>A. VCF-style: chr2-189005453-G-A. GRCh37 (hg19) VCF-style: chr2-189870179-G-A.
Other names: short protein forms R1012K.
Identifiers: ClinVar variation 628920 (VCV000628920.6), dbSNP rs865829661, ClinGen allele CA62558501.

ClinVar aggregate classification (germline): Uncertain significance. Review status: criteria provided, multiple submitters, no conflicts (2 of 4 stars). 2 submissions from 2 submitters: Uncertain significance (2). Last evaluated 2025-09-04.

Conditions:
Familial thoracic aortic aneurysm and aortic dissection (TAAD). Also called: Thoracic aortic aneurysms and dissections. Identifiers: Orphanet 91387, MedGen C4707243, MONDO:0019625.

Allele frequency attached by ClinVar (database versions not stated): gnomAD exomes below 0.00001; gnomAD 0.00006.
gnomAD v4.1: 4 of 1,613,398 alleles (0.00025%); highest among the groups gnomAD compares: Non-Finnish European, 0.00025%; no homozygotes.

Submissions (2):

Color Diagnostics, LLC DBA Color Health
Classification: Uncertain significance for Familial thoracic aortic aneurysm and aortic dissection. Last evaluated: 2025-09-04. Review status: criteria provided, single submitter. Criteria: ACMG Guidelines, 2015. Collection method: clinical testing. Allele origin: germline.
Comment: This missense variant replaces arginine with lysine at codon 1012 of the COL3A1 protein. Computational prediction is inconclusive regarding the impact of this variant on protein structure and function. To our knowledge, functional studies have not been reported for this variant. This variant has not been reported in individuals affected with COL3A1-related disorders in the literature. This variant has been identified in 2/31400 chromosomes in the general population by the Genome Aggregation Database (gnomAD). The available evidence is insufficient to determine the role of this variant in disease conclusively. Therefore, this variant is classified as a Variant of Uncertain Significance.

Blueprint Genetics
Classification: Uncertain significance. Last evaluated: 2024-03-15. Review status: criteria provided, single submitter. Criteria: ACMG Guidelines, 2015. Collection method: clinical testing. Allele origin: germline.